The following is an entry in ClinVar:

ClinVar aggregate classification (germline): Pathogenic (1 of 4 stars; one submission).

Submission:

Labcorp Genetics (formerly Invitae), Labcorp
Classification: Pathogenic. Last evaluated: 2023-06-29. Review status: criteria provided, single submitter. Criteria: Invitae Variant Classification Sherloc (09022015). Collection method: clinical testing. Allele origin: unknown.
Comment: For these reasons, this variant has been classified as Pathogenic. A similar copy number variant has been observed in individuals with retinitis pigmentosa (PMID: 18836446, 28704921). It has also been observed to segregate with disease in related individuals. This variant is a gross deletion of the genomic region encompassing exon(s) 15-19 of the EYS gene. This deletion is out-of-frame, and is expected to create a premature termination codon and result in an absent or disrupted protein product. Loss-of-function variants in EYS are known to be pathogenic (PMID: 18836446, 20333770).

Literature cited by the submitters: PubMed 18836446; PubMed 28704921; PubMed 20333770.

NC_000006.11:g.(?_65596570)_(65655827_?)del

Gene: EYS (eyes shut homolog; minus strand). Cytogenetic location: 6q12.
Variant type: Deletion.
Identifiers: ClinVar variation 3246108 (VCV003246108.1).